The following is an entry in ClinVar:

NM_003098.3(SNTA1):c.280G>C (p.Asp94His)

Genes: SNTA1 (syntrophin alpha 1; minus strand), LOC130065679 (ATAC-STARR-seq lymphoblastoid silent region 12811; plus strand). Cytogenetic location: 20q11.21.
Variant type: single nucleotide variant.
Coding change: c.280G>C on transcript NM_003098.3 (MANE Select); coding-DNA position 280, G replaced by C.
Protein change: p.Asp94His; replaces aspartic acid 94 with histidine.
Molecular consequence: missense variant.
Genome position (GRCh38, 1-based): chr20:33,443,341, C>G on the plus strand (G>C on the coding strand, the complement: SNTA1 is on the minus strand). VCF-style: chr20-33443341-C-G. GRCh37 (hg19) VCF-style: chr20-32031147-C-G.
Other names: p.D94H:GAC>CAC; short protein forms D94H.
Identifiers: ClinVar variation 190906 (VCV000190906.9), dbSNP rs786205844, ClinGen allele CA302249.
Genomic context (GRCh38, chr20:33,443,341, plus strand): 5'-GACCCCGCGCCCTCGGTGTCCCGCGCCCACCTTTGATGCTGATGCCCAGCCCACCGGCGT[C>G]GGCCTTGCGCACCGTCACGCGGCGCCGCTGGAGCAGTAGCGCCTCTGGCAGCTGCGGGGG-3'
Protein context (NP_003089.1, residues 84-104): QRRRVTVRKA[Asp94His]AGGLGISIKG

ClinVar aggregate classification (germline): Uncertain significance. Review status: criteria provided, multiple submitters, no conflicts (2 of 4 stars). 3 submissions from 3 submitters: Uncertain significance (3). Last evaluated 2025-06-07.

Conditions:
Long QT syndrome (LQTS). Identifiers: MedGen C0023976, MeSH D008133, MONDO:0002442. Disease mechanism: loss of function. Inheritance: Various modes of inheritance.
Cardiovascular phenotype. Identifiers: MedGen CN230736.

Submissions (3):

Labcorp Genetics (formerly Invitae), Labcorp
Classification: Uncertain significance for Long QT syndrome. Last evaluated: 2025-06-07. Review status: criteria provided, single submitter. Criteria: Invitae Variant Classification Sherloc (09022015). Collection method: clinical testing. Allele origin: germline.
Comment: This sequence change replaces aspartic acid, which is acidic and polar, with histidine, which is basic and polar, at codon 94 of the SNTA1 protein (p.Asp94His). This variant is not present in population databases (gnomAD no frequency). This variant has not been reported in the literature in individuals affected with SNTA1-related conditions. ClinVar contains an entry for this variant (Variation ID: 190906). Invitae Evidence Modeling of protein sequence and biophysical properties (such as structural, functional, and spatial information, amino acid conservation, physicochemical variation, residue mobility, and thermodynamic stability) indicates that this missense variant is not expected to disrupt SNTA1 protein function with a negative predictive value of 80%. In summary, the available evidence is currently insufficient to determine the role of this variant in disease. Therefore, it has been classified as a Variant of Uncertain Significance.

Ambry Genetics
Classification: Uncertain significance for Cardiovascular phenotype. Last evaluated: 2023-04-14. Review status: criteria provided, single submitter. Criteria: Ambry Variant Classification Scheme 2023. Collection method: clinical testing. Allele origin: germline.
Comment: The p.D94H variant (also known as c.280G>C), located in coding exon 1 of the SNTA1 gene, results from a G to C substitution at nucleotide position 280. The aspartic acid at codon 94 is replaced by histidine, an amino acid with similar properties. This amino acid position is conserved. In addition, this alteration is predicted to be tolerated by in silico analysis. Since supporting evidence is limited at this time, the clinical significance of this alteration remains unclear.

GeneDx
Classification: Uncertain significance. Last evaluated: 2019-12-30. Review status: criteria provided, single submitter. Criteria: GeneDx Variant Classification Process June 2021. Collection method: clinical testing. Allele origin: germline. Affected: yes.
Comment: Has not been previously published as pathogenic or benign to our knowledge; Not observed in large population cohorts (Lek et al., 2016); In silico analysis, which includes protein predictors and evolutionary conservation, supports a deleterious effect